The following is an entry in ClinVar:

NM_138694.4(PKHD1):c.9369G>T (p.Ala3123=)

Gene: PKHD1 (PKHD1 ciliary IPT domain containing fibrocystin/polyductin; minus strand). Cytogenetic location: 6p12.3.
Variant type: single nucleotide variant.
Coding change: c.9369G>T on transcript NM_138694.4 (MANE Select); coding-DNA position 9369, G replaced by T.
Protein change: p.Ala3123=; no amino-acid change (alanine 3123 retained).
Molecular consequence: synonymous variant.
Genome position (GRCh38, 1-based): chr6:51,748,247, C>A on the plus strand (G>T on the coding strand, the complement: PKHD1 is on the minus strand). VCF-style: chr6-51748247-C-A. GRCh37 (hg19) VCF-style: chr6-51613045-C-A.
Other names: c.9369G>T, p.Ala3123= (NM_170724.3).
Identifiers: ClinVar variation 592272 (VCV000592272.27), dbSNP rs745523374, ClinGen allele CA3851398.

ClinVar aggregate classification (germline): Conflicting classifications of pathogenicity. Review status: criteria provided, conflicting classifications (1 of 4 stars). 7 submissions from 7 submitters: Uncertain significance (3); Likely benign (2). 2 of the submissions do not count toward it. Last evaluated 2026-01-19.

Conditions:
Polycystic kidney disease 4 (PKD4). Also called: POLYCYSTIC KIDNEY DISEASE 4 WITH OR WITHOUT POLYCYSTIC LIVER DISEASE; Autosomal Recessive Polycystic Kidney Disease – PKHD1; PKD3; POLYCYSTIC KIDNEY AND HEPATIC DISEASE 1; POLYCYSTIC KIDNEY DISEASE, INFANTILE, TYPE I. Identifiers: MedGen C4540575, MONDO:0033004, OMIM 263200.
Autosomal recessive polycystic kidney disease (ARPKD). Also called: AR polycystic kidney disease. Identifiers: Orphanet 731, Orphanet 8378, MedGen C0085548, MeSH D017044, MONDO:0009889.
PKHD1-related disorder. Also called: PKHD1-related condition.

Allele frequency attached by ClinVar (database versions not stated): TOPMed 0.00002.
gnomAD v4.1: 35 of 1,614,014 alleles (0.0022%); highest among the groups gnomAD compares: Middle Eastern, 0.066%; no homozygotes.

Submissions (7):

Labcorp Genetics (formerly Invitae), Labcorp
Classification: Likely benign for Autosomal recessive polycystic kidney disease. Last evaluated: 2026-01-19. Review status: criteria provided, single submitter. Criteria: Invitae Variant Classification Sherloc (09022015). Collection method: clinical testing. Allele origin: germline.

Blueprint Genetics
Classification: Likely benign. Last evaluated: 2024-04-26. Review status: criteria provided, single submitter. Criteria: ACMG Guidelines, 2015. Collection method: clinical testing. Allele origin: germline.

Genome-Nilou Lab
Classification: Uncertain significance for Polycystic kidney disease 4. Last evaluated: 2021-07-22. Review status: criteria provided, single submitter. Criteria: ACMG Guidelines, 2015. Collection method: clinical testing. Allele origin: germline. Affected: no.

Eurofins Ntd Llc (ga)
Classification: Uncertain significance. Last evaluated: 2018-07-24. Review status: criteria provided, single submitter. Criteria: EGL ClinVar v180209 classification definitions. Collection method: clinical testing. Allele origin: germline. Observed: 3 variant alleles, 3 heterozygotes.

Illumina Laboratory Services, Illumina
Classification: Uncertain significance for Polycystic kidney disease 4. Last evaluated: 2018-01-13. Review status: criteria provided, single submitter. Criteria: ICSL Variant Classification Criteria 13 December 2019. Collection method: clinical testing. Allele origin: germline.

PreventionGenetics, part of Exact Sciences
Classification: Likely benign for PKHD1-related condition. Last evaluated: 2021-07-27. Review status: no assertion criteria provided. Collection method: clinical testing. Allele origin: germline. Not counted in ClinVar's aggregate classification.
Comment: This variant is classified as likely benign based on ACMG/AMP sequence variant interpretation guidelines (Richards et al. 2015 PMID: 25741868, with internal and published modifications).

Natera, Inc.
Classification: Likely benign for Autosomal recessive polycystic kidney disease. Last evaluated: 2021-05-26. Review status: no assertion criteria provided. Collection method: clinical testing. Allele origin: germline. Not counted in ClinVar's aggregate classification.